The following is an entry in ClinVar:

NM_001385641.1(SAMD11):c.1879G>A (p.Glu627Lys)

Gene: SAMD11 (sterile alpha motif domain containing 11; plus strand). Cytogenetic location: 1p36.33.
Variant type: single nucleotide variant.
Coding change: c.1879G>A on transcript NM_001385641.1 (MANE Select); coding-DNA position 1879, G replaced by A.
Protein change: p.Glu627Lys; replaces glutamic acid 627 with lysine.
Molecular consequence: missense variant.
Genome position (GRCh38, 1-based): chr1:942,884, G>A. VCF-style: chr1-942884-G-A. GRCh37 (hg19) VCF-style: chr1-878264-G-A.
Other names: c.1882G>A, p.Glu628Lys (NM_001385640.1); c.1390G>A, p.Glu464Lys (NM_152486.4); c.1390G>A (NM_152486.2); short protein forms E464K, E627K, E628K.
Identifiers: ClinVar variation 1356376 (VCV001356376.7), dbSNP rs1417509140, ClinGen allele CA337811912.

ClinVar aggregate classification (germline): Uncertain significance. Review status: criteria provided, multiple submitters, no conflicts (2 of 4 stars). 2 submissions from 2 submitters: Uncertain significance (2). Last evaluated 2025-09-05.

Allele frequency attached by ClinVar (database versions not stated): gnomAD exomes 0.00001; TOPMed 0.00001.
gnomAD v4.1: 13 of 1,555,006 alleles (0.00084%); highest among the groups gnomAD compares: South Asian, 0.0012%; no homozygotes.

Submissions (2):

Ambry Genetics
Classification: Uncertain significance. Last evaluated: 2025-09-05. Review status: criteria provided, single submitter. Criteria: Ambry Variant Classification Scheme 2023. Collection method: clinical testing. Allele origin: germline.

Labcorp Genetics (formerly Invitae), Labcorp
Classification: Uncertain significance. Last evaluated: 2022-08-23. Review status: criteria provided, single submitter. Criteria: Invitae Variant Classification Sherloc (09022015). Collection method: clinical testing. Allele origin: germline.
Comment: This sequence change replaces glutamic acid, which is acidic and polar, with lysine, which is basic and polar, at codon 464 of the SAMD11 protein (p.Glu464Lys). In summary, the available evidence is currently insufficient to determine the role of this variant in disease. Therefore, it has been classified as a Variant of Uncertain Significance. Algorithms developed to predict the effect of missense changes on protein structure and function are either unavailable or do not agree on the potential impact of this missense change (SIFT: "Deleterious"; PolyPhen-2: "Possibly Damaging"; Align-GVGD: "Class C15"). ClinVar contains an entry for this variant (Variation ID: 1356376). This variant has not been reported in the literature in individuals affected with SAMD11-related conditions. The frequency data for this variant in the population databases is considered unreliable, as metrics indicate poor data quality at this position in the gnomAD database.